The following is an entry in ClinVar:

ClinVar aggregate classification (germline): Conflicting classifications of pathogenicity. Review status: criteria provided, conflicting classifications (1 of 4 stars). 6 submissions from 6 submitters: Uncertain significance (5); Likely benign (1). Last evaluated 2024-08-02.

Conditions:
Inborn genetic diseases. Identifiers: MedGen C0950123, MeSH D030342.
PIEZO1-related disorder. Also called: PIEZO1-related condition; PIEZO1-Related Disorders.

Allele frequency attached by ClinVar (database versions not stated): gnomAD 0.00008; TOPMed 0.00010; ExAC 0.00011.
gnomAD v4.1: 112 of 1,549,988 alleles (0.0072%); highest among the groups gnomAD compares: Non-Finnish European, 0.009%; no homozygotes.

Submissions (6):

Blueprint Genetics
Classification: Uncertain significance. Last evaluated: 2024-08-02. Review status: criteria provided, single submitter. Criteria: ACMG Guidelines, 2015. Collection method: clinical testing. Allele origin: germline.

ARUP Laboratories, Molecular Genetics and Genomics, ARUP Laboratories
Classification: Uncertain significance. Last evaluated: 2024-07-24. Review status: criteria provided, single submitter. Criteria: ARUP Molecular Germline Variant Investigation Process 2024. Collection method: clinical testing. Allele origin: germline.
Comment: The PIEZO1 c.3783G>C; p.Lys1261Asn variant (rs752880958), to our knowledge, is not reported in the medical literature but is reported in ClinVar (Variation ID: 2354952). This variant is found in the general population with an overall allele frequency of 0.004% (7/184,904 alleles) in the Genome Aggregation Database (v2.1.1). Computational analyses predict that this variant is neutral (REVEL: 0.095). Due to limited information, the clinical significance of this variant is uncertain at this time.

Labcorp Genetics (formerly Invitae), Labcorp
Classification: Likely benign. Last evaluated: 2024-03-28. Review status: criteria provided, single submitter. Criteria: Invitae Variant Classification Sherloc (09022015). Collection method: clinical testing. Allele origin: germline.

GeneDx
Classification: Uncertain significance. Last evaluated: 2024-02-01. Review status: criteria provided, single submitter. Criteria: GeneDx Variant Classification Process June 2021. Collection method: clinical testing. Allele origin: germline. Affected: yes.
Comment: In silico analysis supports that this missense variant has a deleterious effect on protein structure/function; Has not been previously published as pathogenic or benign to our knowledge

PreventionGenetics, part of Exact Sciences
Classification: Uncertain significance for PIEZO1-related condition. Last evaluated: 2023-06-13. Review status: criteria provided, single submitter. Criteria: ACMG Guidelines, 2015. Collection method: clinical testing. Allele origin: germline.
Comment: The PIEZO1 c.3783G>C variant is predicted to result in the amino acid substitution p.Lys1261Asn. To our knowledge, this variant has not been reported in the literature. This variant is reported in 0.0080% of alleles in individuals of European (Non-Finnish) descent in gnomAD. At this time, the clinical significance of this variant is uncertain due to the absence of conclusive functional and genetic evidence.

Ambry Genetics
Classification: Uncertain significance for Inborn genetic diseases. Last evaluated: 2021-08-16. Review status: criteria provided, single submitter. Criteria: Ambry Variant Classification Scheme 2023. Collection method: clinical testing. Allele origin: germline.

NM_001142864.4(PIEZO1):c.3783G>C (p.Lys1261Asn)

Gene: PIEZO1 (piezo type mechanosensitive ion channel component 1 (Er blood group); minus strand). Cytogenetic location: 16q24.3.
Variant type: single nucleotide variant.
Coding change: c.3783G>C on transcript NM_001142864.4 (MANE Select); coding-DNA position 3783, G replaced by C.
Protein change: p.Lys1261Asn; replaces lysine 1261 with asparagine.
Molecular consequence: missense variant.
Genome position (GRCh38, 1-based): chr16:88,726,560, C>G on the plus strand (G>C on the coding strand, the complement: PIEZO1 is on the minus strand). VCF-style: chr16-88726560-C-G. GRCh37 (hg19) VCF-style: chr16-88792968-C-G.
Other names: c.3783G>C (NM_001142864.3); c.2325G>C, p.Lys775Asn (NM_014745.1); short protein forms K1261N, K775N.
Identifiers: ClinVar variation 2354952 (VCV002354952.9), dbSNP rs752880958, ClinGen allele CA8232365.